The following is an entry in ClinVar:

NM_033026.6(PCLO):c.9732G>T (p.Arg3244Ser)

Gene: PCLO (piccolo presynaptic cytomatrix protein; minus strand). Cytogenetic location: 7q21.11.
Variant type: single nucleotide variant.
Coding change: c.9732G>T on transcript NM_033026.6 (MANE Select); coding-DNA position 9732, G replaced by T.
Protein change: p.Arg3244Ser; replaces arginine 3244 with serine.
Molecular consequence: missense variant.
Genome position (GRCh38, 1-based): chr7:82,950,856, C>A on the plus strand (G>T on the coding strand, the complement: PCLO is on the minus strand). VCF-style: chr7-82950856-C-A. GRCh37 (hg19) VCF-style: chr7-82580172-C-A.
Other names: c.9732G>T, p.Arg3244Ser (NM_014510.3); short protein forms R3244S.
Identifiers: ClinVar variation 1714427 (VCV001714427.5), dbSNP rs1795325035, ClinGen allele CA367906773.

ClinVar aggregate classification (germline): Uncertain significance (1 of 4 stars; one submission).

Allele frequency attached by ClinVar (database versions not stated): TOPMed below 0.00001.
gnomAD v4.1: 12 of 1,613,600 alleles (0.00074%); highest among the groups gnomAD compares: Non-Finnish European, 0.001%; no homozygotes.

Submission:

Labcorp Genetics (formerly Invitae), Labcorp
Classification: Uncertain significance. Last evaluated: 2022-08-08. Review status: criteria provided, single submitter. Criteria: Invitae Variant Classification Sherloc (09022015). Collection method: clinical testing. Allele origin: germline.
Comment: In summary, the available evidence is currently insufficient to determine the role of this variant in disease. Therefore, it has been classified as a Variant of Uncertain Significance. Algorithms developed to predict the effect of missense changes on protein structure and function are either unavailable or do not agree on the potential impact of this missense change (SIFT: "Deleterious"; PolyPhen-2: "Not Available"; Align-GVGD: "Class C0"). This variant has not been reported in the literature in individuals affected with PCLO-related conditions. This variant is not present in population databases (gnomAD no frequency). This sequence change replaces arginine, which is basic and polar, with serine, which is neutral and polar, at codon 3244 of the PCLO protein (p.Arg3244Ser).